The following is an entry in ClinVar:

NM_001256545.2(MEGF10):c.2029A>G (p.Asn677Asp)

Gene: MEGF10 (multiple EGF like domains 10; plus strand). Cytogenetic location: 5q23.2.
Variant type: single nucleotide variant.
Coding change: c.2029A>G on transcript NM_001256545.2 (MANE Select); coding-DNA position 2029, A replaced by G.
Protein change: p.Asn677Asp; replaces asparagine 677 with aspartic acid.
Molecular consequence: missense variant.
Genome position (GRCh38, 1-based): chr5:127,435,414, A>G. VCF-style: chr5-127435414-A-G. GRCh37 (hg19) VCF-style: chr5-126771106-A-G.
Other names: c.2029A>G, p.Asn677Asp (NM_032446.3); short protein forms N677D.
Identifiers: ClinVar variation 1954151 (VCV001954151.5), dbSNP rs755681026, ClinGen allele CA3391818.

ClinVar aggregate classification (germline): Uncertain significance (1 of 4 stars; one submission).

Conditions:
MEGF10-related myopathy (CMYO10A). Also called: Congenital myopathy 10A, severe variant. Identifiers: Orphanet 439212, MedGen C3280679, MONDO:0013731, OMIM 614399.

Allele frequency attached by ClinVar (database versions not stated): gnomAD exomes below 0.00001; ExAC 0.00001; gnomAD 0.00001; TOPMed 0.00001.
gnomAD v4.1: 2 of 1,614,058 alleles (0.00012%); highest among the groups gnomAD compares: African/African-American, 0.0027%; no homozygotes.

Submission:

Labcorp Genetics (formerly Invitae), Labcorp
Classification: Uncertain significance for MEGF10-related myopathy. Last evaluated: 2022-03-23. Review status: criteria provided, single submitter. Criteria: Invitae Variant Classification Sherloc (09022015). Collection method: clinical testing. Allele origin: germline.
Comment: In summary, the available evidence is currently insufficient to determine the role of this variant in disease. Therefore, it has been classified as a Variant of Uncertain Significance. Algorithms developed to predict the effect of missense changes on protein structure and function are either unavailable or do not agree on the potential impact of this missense change (SIFT: "Deleterious"; PolyPhen-2: "Possibly Damaging"; Align-GVGD: "Class C15"). This variant has not been reported in the literature in individuals affected with MEGF10-related conditions. This variant is present in population databases (rs755681026, gnomAD 0.007%). This sequence change replaces asparagine, which is neutral and polar, with aspartic acid, which is acidic and polar, at codon 677 of the MEGF10 protein (p.Asn677Asp).